The following is an entry in ClinVar:

ClinVar aggregate classification (germline): Uncertain significance (1 of 4 stars; one submission).

Submission:

Ambry Genetics
Classification: Uncertain significance. Last evaluated: 2021-12-10. Review status: criteria provided, single submitter. Criteria: Ambry Variant Classification Scheme 2023. Collection method: clinical testing. Allele origin: germline.
Comment: The p.S144R variant (also known as c.430A>C), located in coding exon 1 of the PALLD gene, results from an A to C substitution at nucleotide position 430. The serine at codon 144 is replaced by arginine, an amino acid with dissimilar properties. This amino acid position is conserved. In addition, this alteration is predicted to be tolerated by in silico analysis. Since supporting evidence is limited at this time, the clinical significance of this alteration remains unclear.

NM_001166108.2(PALLD):c.1965-12601A>C

Gene: PALLD (palladin, cytoskeletal associated protein; plus strand). Cytogenetic location: 4q32.3.
Variant type: single nucleotide variant.
Coding change: c.1965-12601A>C on transcript NM_001166108.2 (MANE Select); 12601 bases into the intron before coding-DNA position 1965, A replaced by C.
Molecular consequence: intron variant. On other transcripts: missense variant (1).
Genome position (GRCh38, 1-based): chr4:168,878,321, A>C. VCF-style: chr4-168878321-A-C. GRCh37 (hg19) VCF-style: chr4-169799472-A-C.
Other names: c.430A>C, p.Ser144Arg (NM_001166110.2); c.1965-12601A>C (NM_016081.4); c.819-12601A>C (NM_001166109.2); c.-157-12601A>C (NM_001367570.1, NM_001367568.1, NM_001367567.1 and 1 more transcripts); short protein forms S144R.
Identifiers: ClinVar variation 1739606 (VCV001739606.2), dbSNP rs1032107869, ClinGen allele CA358796666.